The following is an entry in ClinVar:

ClinVar aggregate classification (germline): Uncertain significance. Review status: criteria provided, multiple submitters, no conflicts (2 of 4 stars). 3 submissions from 3 submitters: Uncertain significance (3). Last evaluated 2025-06-12.

Conditions:
Hereditary cancer-predisposing syndrome. Also called: Hereditary Cancer Syndrome; Tumor predisposition; Neoplastic Syndromes, Hereditary; Hereditary neoplastic syndrome. Identifiers: Orphanet 140162, MedGen C0027672, MeSH D009386, MONDO:0015356.
Peutz-Jeghers syndrome (PJS). Also called: POLYPOSIS, HAMARTOMATOUS INTESTINAL; POLYPS-AND-SPOTS SYNDROME; Peutz-Jeghers polyposis; Periorificial lentiginosis syndrome. Identifiers: Orphanet 2869, MedGen C0031269, MeSH D010580, MONDO:0008280, OMIM 175200.

Allele frequency attached by ClinVar (database versions not stated): gnomAD exomes below 0.00001; TOPMed below 0.00001.
gnomAD v4.1: 1 of 1,607,080 alleles (0.000062%); highest among the groups gnomAD compares: Non-Finnish European, 0.000085%; no homozygotes.

Submissions (3):

Labcorp Genetics (formerly Invitae), Labcorp
Classification: Uncertain significance for Peutz-Jeghers syndrome. Last evaluated: 2025-06-12. Review status: criteria provided, single submitter. Criteria: Invitae Variant Classification Sherloc (09022015). Collection method: clinical testing. Allele origin: germline.
Comment: This sequence change replaces threonine, which is neutral and polar, with asparagine, which is neutral and polar, at codon 186 of the STK11 protein (p.Thr186Asn). This variant is not present in population databases (gnomAD no frequency). This variant has not been reported in the literature in individuals affected with STK11-related conditions. ClinVar contains an entry for this variant (Variation ID: 3231749). Invitae Evidence Modeling of protein sequence and biophysical properties (such as structural, functional, and spatial information, amino acid conservation, physicochemical variation, residue mobility, and thermodynamic stability) indicates that this missense variant is not expected to disrupt STK11 protein function with a negative predictive value of 95%. In summary, the available evidence is currently insufficient to determine the role of this variant in disease. Therefore, it has been classified as a Variant of Uncertain Significance.

Quest Diagnostics Nichols Institute San Juan Capistrano
Classification: Uncertain significance. Last evaluated: 2024-01-17. Review status: criteria provided, single submitter. Criteria: Quest Diagnostics criteria. Collection method: clinical testing. Allele origin: unknown.
Comment: The STK11 c.557C>A (p.Thr186Asn) variant has not been reported in individuals with STK11-related conditions in the published literature. It also has not been reported in large, multi-ethnic general populations (Genome Aggregation Database). Analysis of this variant using bioinformatics tools for the prediction of the effect of amino acid changes on protein structure and function yielded conflicting predictions that this variant is benign or damaging. Based on the available information, we are unable to determine the clinical significance of this variant.

Ambry Genetics
Classification: Uncertain significance for Hereditary cancer-predisposing syndrome. Last evaluated: 2023-12-31. Review status: criteria provided, single submitter. Criteria: Ambry Variant Classification Scheme 2023. Collection method: clinical testing. Allele origin: germline.
Comment: The p.T186N variant (also known as c.557C>A), located in coding exon 4 of the STK11 gene, results from a C to A substitution at nucleotide position 557. The threonine at codon 186 is replaced by asparagine, an amino acid with similar properties. This amino acid position is conserved. In addition, this alteration is predicted to be tolerated by in silico analysis. Since supporting evidence is limited at this time, the clinical significance of this alteration remains unclear.

NM_000455.5(STK11):c.557C>A (p.Thr186Asn)

Gene: STK11 (serine/threonine kinase 11; plus strand). Cytogenetic location: 19p13.3.
Variant type: single nucleotide variant.
Coding change: c.557C>A on transcript NM_000455.5 (MANE Select); coding-DNA position 557, C replaced by A.
Protein change: p.Thr186Asn; replaces threonine 186 with asparagine.
Molecular consequence: missense variant. On other transcripts: non-coding transcript variant (1).
Genome position (GRCh38, 1-based): chr19:1,220,465, C>A. VCF-style: chr19-1220465-C-A. GRCh37 (hg19) VCF-style: chr19-1220464-C-A.
Other names: c.557C>A, p.Thr186Asn (NM_001407255.1); short protein forms T186N.
Identifiers: ClinVar variation 3231749 (VCV003231749.3), dbSNP rs2080774765, ClinGen allele CA402949166.